The following is an entry in ClinVar:

NM_000195.5(HPS1):c.1162_1255del (p.Ser388fs)

Gene: HPS1 (HPS1 biogenesis of lysosomal organelles complex 3 subunit 1; minus strand). Cytogenetic location: 10q24.2.
Variant type: Deletion.
Coding change: c.1162_1255del on transcript NM_000195.5 (MANE Select); coding-DNA positions 1162 to 1255, 94 bases deleted.
Protein change: p.Ser388fs; shifts the reading frame from serine 388.
Molecular consequence: frameshift variant.
Genome position (GRCh38, 1-based): chr10:98,425,621-98,425,714, 94 bases deleted. GRCh37 (hg19): chr10:100,185,381-100,185,474.
Other names: c.190_283del, p.Ser64fs (NM_001311345.2, NM_001322487.2, NM_001322489.2); c.1162_1255del, p.Ser388fs (NM_001322476.2, NM_001322477.2); c.1063_1156del, p.Ser355fs (NM_001322478.2, NM_001322479.2); c.901_994del, p.Ser301fs (NM_001322480.2, NM_001322481.2); c.802_895del, p.Ser268fs (NM_001322482.2); c.793_886del, p.Ser265fs (NM_001322483.2, NM_001322484.2); c.694_787del, p.Ser232fs (NM_001322485.2); short protein forms S265fs, S301fs, S355fs, S232fs, S268fs, S388fs, S64fs.
Identifiers: ClinVar variation 4730685 (VCV004730685.1).

ClinVar aggregate classification (germline): Pathogenic (1 of 4 stars; one submission).

Submission:

Labcorp Genetics (formerly Invitae), Labcorp
Classification: Pathogenic. Last evaluated: 2025-11-07. Review status: criteria provided, single submitter. Criteria: Invitae Variant Classification Sherloc (09022015). Collection method: clinical testing. Allele origin: germline.
Comment: This sequence change creates a premature translational stop signal (p.Ser388Cysfs*56) in the HPS1 gene. It is expected to result in an absent or disrupted protein product. Loss-of-function variants in HPS1 are known to be pathogenic (PMID: 12442288, 16185271). This variant is not present in population databases (gnomAD no frequency). This variant has not been reported in the literature in individuals affected with HPS1-related conditions. For these reasons, this variant has been classified as Pathogenic.

Literature cited by the submitters: PubMed 12442288; PubMed 16185271.